The following is an entry in ClinVar:

NM_000505.4(F12):c.1018+3T>C

Gene: F12 (coagulation factor XII; minus strand). Cytogenetic location: 5q35.3.
Variant type: single nucleotide variant.
Coding change: c.1018+3T>C on transcript NM_000505.4 (MANE Select); 3 bases into the intron after coding-DNA position 1018, T replaced by C.
Molecular consequence: intron variant.
Genome position (GRCh38, 1-based): chr5:177,404,193, A>G on the plus strand (T>C on the coding strand, the complement: F12 is on the minus strand). VCF-style: chr5-177404193-A-G. GRCh37 (hg19) VCF-style: chr5-176831194-A-G.
Identifiers: ClinVar variation 2852674 (VCV002852674.3), dbSNP rs770164366, ClinGen allele CA3581324.

ClinVar aggregate classification (germline): Uncertain significance (1 of 4 stars; one submission).

Allele frequency attached by ClinVar (database versions not stated): ExAC 0.00001; gnomAD exomes 0.00001; TOPMed 0.00003; gnomAD 0.00005.
gnomAD v4.1: 10 of 1,600,446 alleles (0.00062%); highest among the groups gnomAD compares: African/African-American, 0.012%; no homozygotes.

Submission:

Labcorp Genetics (formerly Invitae), Labcorp
Classification: Uncertain significance. Last evaluated: 2023-09-19. Review status: criteria provided, single submitter. Criteria: Invitae Variant Classification Sherloc (09022015). Collection method: clinical testing. Allele origin: germline.
Comment: In summary, the available evidence is currently insufficient to determine the role of this variant in disease. Therefore, it has been classified as a Variant of Uncertain Significance. Variants that disrupt the consensus splice site are a relatively common cause of aberrant splicing (PMID: 17576681, 9536098). Algorithms developed to predict the effect of sequence changes on RNA splicing suggest that this variant is not likely to affect RNA splicing. This variant has not been reported in the literature in individuals affected with F12-related conditions. This variant is present in population databases (rs770164366, gnomAD 0.02%). This sequence change falls in intron 9 of the F12 gene. It does not directly change the encoded amino acid sequence of the F12 protein. It affects a nucleotide within the consensus splice site.

Literature cited by the submitters: PubMed 17576681; PubMed 9536098.